The following is an entry in ClinVar:

NM_001365951.3(KIF1B):c.23T>C (p.Val8Ala)

Genes: KIF1B (kinesin family member 1B; plus strand), LOC129388446 (MPRA-validated peak64 silencer; plus strand). Cytogenetic location: 1p36.22.
Variant type: single nucleotide variant.
Coding change: c.23T>C on transcript NM_001365951.3 (MANE Select); coding-DNA position 23, T replaced by C.
Protein change: p.Val8Ala; replaces valine 8 with alanine.
Molecular consequence: missense variant.
Genome position (GRCh38, 1-based): chr1:10,232,351, T>C. VCF-style: chr1-10232351-T-C. GRCh37 (hg19) VCF-style: chr1-10292409-T-C.
Other names: c.23T>C, p.Val8Ala (NM_001365952.1, NM_001365953.1, NM_015074.3 and 1 more transcripts); short protein forms V8A.
Identifiers: ClinVar variation 2738427 (VCV002738427.3), dbSNP rs2523352615, ClinGen allele CA338315648.

ClinVar aggregate classification (germline): Uncertain significance (1 of 4 stars; one submission).

Conditions:
Charcot-Marie-Tooth disease type 2. Also called: Charcot-Marie-Tooth type 2. Identifiers: Orphanet 64746, MedGen C0270914, MONDO:0018993.

Submission:

Labcorp Genetics (formerly Invitae), Labcorp
Classification: Uncertain significance for Charcot-Marie-Tooth disease type 2. Last evaluated: 2023-07-08. Review status: criteria provided, single submitter. Criteria: Invitae Variant Classification Sherloc (09022015). Collection method: clinical testing. Allele origin: germline.
Comment: In summary, the available evidence is currently insufficient to determine the role of this variant in disease. Therefore, it has been classified as a Variant of Uncertain Significance. Advanced modeling of protein sequence and biophysical properties (such as structural, functional, and spatial information, amino acid conservation, physicochemical variation, residue mobility, and thermodynamic stability) performed at Invitae indicates that this missense variant is expected to disrupt KIF1B protein function. This variant has not been reported in the literature in individuals affected with KIF1B-related conditions. This variant is not present in population databases (gnomAD no frequency). This sequence change replaces valine, which is neutral and non-polar, with alanine, which is neutral and non-polar, at codon 8 of the KIF1B protein (p.Val8Ala).